The following is an entry in ClinVar:

ClinVar aggregate classification (germline): Uncertain significance (1 of 4 stars; one submission).

Allele frequency attached by ClinVar (database versions not stated): TOPMed below 0.00001.

Submission:

Labcorp Genetics (formerly Invitae), Labcorp
Classification: Uncertain significance. Last evaluated: 2023-06-13. Review status: criteria provided, single submitter. Criteria: Invitae Variant Classification Sherloc (09022015). Collection method: clinical testing. Allele origin: germline.
Comment: This sequence change replaces isoleucine, which is neutral and non-polar, with threonine, which is neutral and polar, at codon 1656 of the MPDZ protein (p.Ile1656Thr). In summary, the available evidence is currently insufficient to determine the role of this variant in disease. Therefore, it has been classified as a Variant of Uncertain Significance. An algorithm developed to predict the effect of missense changes on protein structure and function (PolyPhen-2) suggests that this variant is likely to be disruptive. ClinVar contains an entry for this variant (Variation ID: 1523526). This variant has not been reported in the literature in individuals affected with MPDZ-related conditions. This variant is not present in population databases (gnomAD no frequency).

NM_001378778.1(MPDZ):c.4967T>C (p.Ile1656Thr)

Gene: MPDZ (multiple PDZ domain crumbs cell polarity complex component; minus strand). Cytogenetic location: 9p23.
Variant type: single nucleotide variant.
Coding change: c.4967T>C on transcript NM_001378778.1 (MANE Select); coding-DNA position 4967, T replaced by C.
Protein change: p.Ile1656Thr; replaces isoleucine 1656 with threonine.
Molecular consequence: missense variant.
Genome position (GRCh38, 1-based): chr9:13,122,157, A>G on the plus strand (T>C on the coding strand, the complement: MPDZ is on the minus strand). VCF-style: chr9-13122157-A-G. GRCh37 (hg19) VCF-style: chr9-13122156-A-G.
Other names: c.4868T>C, p.Ile1623Thr (NM_001261406.2, NM_001261407.2, NM_001375416.1 and 3 more transcripts); c.4967T>C, p.Ile1656Thr (NM_001330637.2, NM_003829.5); c.5066T>C, p.Ile1689Thr (NM_001375413.1); c.4757T>C, p.Ile1586Thr (NM_001375420.1, NM_001375421.1, NM_001375422.1 and 4 more transcripts); c.4559T>C, p.Ile1520Thr (NM_001375427.1); short protein forms I1623T, I1586T, I1656T, I1520T, I1689T.
Identifiers: ClinVar variation 1523526 (VCV001523526.8), dbSNP rs1944445887, ClinGen allele CA372945136.